The following is an entry in ClinVar:

ClinVar aggregate classification (germline): Uncertain significance (1 of 4 stars; one submission).

Submission:

Labcorp Genetics (formerly Invitae), Labcorp
Classification: Uncertain significance. Last evaluated: 2024-10-16. Review status: criteria provided, single submitter. Criteria: Invitae Variant Classification Sherloc (09022015). Collection method: clinical testing. Allele origin: germline.
Comment: This sequence change replaces serine, which is neutral and polar, with alanine, which is neutral and non-polar, at codon 2983 of the EYS protein (p.Ser2983Ala). This variant is not present in population databases (gnomAD no frequency). This variant has not been reported in the literature in individuals affected with EYS-related conditions. ClinVar contains an entry for this variant (Variation ID: 1434105). Invitae Evidence Modeling of protein sequence and biophysical properties (such as structural, functional, and spatial information, amino acid conservation, physicochemical variation, residue mobility, and thermodynamic stability) indicates that this missense variant is not expected to disrupt EYS protein function with a negative predictive value of 80%. In summary, the available evidence is currently insufficient to determine the role of this variant in disease. Therefore, it has been classified as a Variant of Uncertain Significance.

NM_001142800.2(EYS):c.8947T>G (p.Ser2983Ala)

Genes: EYS (EGF-like photoreceptor maintenance factor; minus strand), PHF3 (PHD finger protein 3; plus strand). Cytogenetic location: 6q12.
Variant type: single nucleotide variant.
Coding change: c.8947T>G on transcript NM_001142800.2 (MANE Select); coding-DNA position 8947, T replaced by G.
Protein change: p.Ser2983Ala; replaces serine 2983 with alanine.
Molecular consequence: missense variant. On other transcripts: 3 prime UTR variant (5).
Genome position (GRCh38, 1-based): chr6:63,721,084, A>C on the plus strand (T>G on the coding strand, the complement: EYS is on the minus strand). VCF-style: chr6-63721084-A-C. GRCh37 (hg19) VCF-style: chr6-64430980-A-C.
Other names: c.*7376A>C (NM_001290259.2, NM_001370348.2, NM_001370349.2 and 2 more transcripts); c.9010T>G, p.Ser3004Ala (NM_001292009.2); short protein forms S2983A, S3004A.
Identifiers: ClinVar variation 1434105 (VCV001434105.6), dbSNP rs2149624319, ClinGen allele CA364383605.